The following is an entry in ClinVar:

NM_001868.4(CPA1):c.1109G>T (p.Ser370Ile)

Gene: CPA1 (carboxypeptidase A1; plus strand). Cytogenetic location: 7q32.2.
Variant type: single nucleotide variant.
Coding change: c.1109G>T on transcript NM_001868.4 (MANE Select); coding-DNA position 1109, G replaced by T.
Protein change: p.Ser370Ile; replaces serine 370 with isoleucine.
Molecular consequence: missense variant.
Genome position (GRCh38, 1-based): chr7:130,387,860, G>T. VCF-style: chr7-130387860-G-T. GRCh37 (hg19) VCF-style: chr7-130027701-G-T.
Other names: short protein forms S370I.
Identifiers: ClinVar variation 1794578 (VCV001794578.2), dbSNP rs2536015256, ClinGen allele CA369284255.

ClinVar aggregate classification (germline): Uncertain significance (1 of 4 stars; one submission).

Conditions:
Hereditary pancreatitis (PCTT). Also called: Hereditary chronic pancreatitis; PRSS1-Related Hereditary Pancreatitis. Identifiers: Orphanet 676, MedGen C0238339, MONDO:0008185, OMIM 167800.

Submission:

Ambry Genetics
Classification: Uncertain significance for Hereditary pancreatitis. Last evaluated: 2022-08-09. Review status: criteria provided, single submitter. Criteria: Ambry Variant Classification Scheme 2023. Collection method: clinical testing. Allele origin: germline.
Comment: The p.S370I variant (also known as c.1109G>T), located in coding exon 10 of the CPA1 gene, results from a G to T substitution at nucleotide position 1109. The serine at codon 370 is replaced by isoleucine, an amino acid with dissimilar properties. This amino acid position is conserved. In addition, this alteration is predicted to be tolerated by in silico analysis. Since supporting evidence is limited at this time, the clinical significance of this alteration remains unclear.